The following is an entry in ClinVar:

NM_002470.4(MYH3):c.118G>T (p.Val40Leu)

Gene: MYH3 (myosin heavy chain 3; minus strand). Cytogenetic location: 17p13.1.
Variant type: single nucleotide variant.
Coding change: c.118G>T on transcript NM_002470.4 (MANE Select); coding-DNA position 118, G replaced by T.
Protein change: p.Val40Leu; replaces valine 40 with leucine.
Molecular consequence: missense variant.
Genome position (GRCh38, 1-based): chr17:10,654,947, C>A on the plus strand (G>T on the coding strand, the complement: MYH3 is on the minus strand). VCF-style: chr17-10654947-C-A. GRCh37 (hg19) VCF-style: chr17-10558264-C-A.
Other names: short protein forms V40L.
Identifiers: ClinVar variation 2989915 (VCV002989915.3), dbSNP rs148637119, ClinGen allele CA8393407.

ClinVar aggregate classification (germline): Uncertain significance (1 of 4 stars; one submission).

Submission:

Labcorp Genetics (formerly Invitae), Labcorp
Classification: Uncertain significance. Last evaluated: 2023-10-22. Review status: criteria provided, single submitter. Criteria: Invitae Variant Classification Sherloc (09022015). Collection method: clinical testing. Allele origin: germline.
Comment: This sequence change replaces valine, which is neutral and non-polar, with leucine, which is neutral and non-polar, at codon 40 of the MYH3 protein (p.Val40Leu). This variant is not present in population databases (gnomAD no frequency). This variant has not been reported in the literature in individuals affected with MYH3-related conditions. Advanced modeling of protein sequence and biophysical properties (such as structural, functional, and spatial information, amino acid conservation, physicochemical variation, residue mobility, and thermodynamic stability) performed at Invitae indicates that this missense variant is not expected to disrupt MYH3 protein function with a negative predictive value of 95%. In summary, the available evidence is currently insufficient to determine the role of this variant in disease. Therefore, it has been classified as a Variant of Uncertain Significance.